The following is an entry in ClinVar:

ClinVar aggregate classification (germline): Pathogenic/Likely pathogenic. Review status: criteria provided, multiple submitters, no conflicts (2 of 4 stars). 3 submissions from 3 submitters: Pathogenic (2); Likely pathogenic (1). Last evaluated 2025-02-15.

Conditions:
Autosomal recessive limb-girdle muscular dystrophy type 2C (LGMDR5). Also called: MUSCULAR DYSTROPHY, DUCHENNE-LIKE; MUSCULAR DYSTROPHY, LIMB-GIRDLE, AUTOSOMAL RECESSIVE 5. Identifiers: Orphanet 353, MedGen C0410173, MONDO:0009677, OMIM 253700. Disease mechanism: Affects gamma-sarcoglycan and also disrupts the integrity of the entire sarcoglycan complex..

Allele frequency attached by ClinVar (database versions not stated): gnomAD exomes below 0.00001.
gnomAD v4.1: 3 of 1,609,394 alleles (0.00019%); highest among the groups gnomAD compares: Non-Finnish European, 0.00026%; no homozygotes.

Submissions (3):

Natera, Inc.
Classification: Likely pathogenic for Limb-girdle muscular dystrophy type 2C. Last evaluated: 2025-02-15. Review status: criteria provided, single submitter. Criteria: Natera Variant Classification Schema (03/2026). Collection method: clinical testing. Allele origin: germline.
Comment: The c.205G>C variant in SGCG is a missense variant predicted to cause substitution of glycine to arginine at amino acid 69. This variant is rare in the general population with a frequency below the threshold expected for the associated phenotype(s). This variant has been observed in one or more individuals affected with the associated recessive disease, as either homozygous or compound heterozygous with a second variant (PMID: 10714584). This variant has been observed to segregate in affected family members (PMID: 10714584). This variant has been identified in one or more affected individual with a phenotype highly consistent with the associated gene (PMID: 10714584). Computational prediction algorithms indicate this variant is likely to affect gene or protein function. Given the available evidence, this variant is classified as Likely Pathogenic.

Revvity Omics, Revvity
Classification: Pathogenic for Autosomal recessive limb-girdle muscular dystrophy type 2C. Last evaluated: 2023-04-04. Review status: criteria provided, single submitter. Criteria: ACMG Guidelines, 2015. Collection method: clinical testing. Allele origin: germline.

Labcorp Genetics (formerly Invitae), Labcorp
Classification: Pathogenic for Autosomal recessive limb-girdle muscular dystrophy type 2C. Last evaluated: 2022-06-23. Review status: criteria provided, single submitter. Criteria: Invitae Variant Classification Sherloc (09022015). Collection method: clinical testing. Allele origin: germline.
Comment: For these reasons, this variant has been classified as Pathogenic. Experimental studies have shown that this missense change affects SGCG function (PMID: 22095924). Algorithms developed to predict the effect of missense changes on protein structure and function are either unavailable or do not agree on the potential impact of this missense change (SIFT: "Deleterious"; PolyPhen-2: "Probably Damaging"; Align-GVGD: "Class C15"). This missense change has been observed in individual(s) with limb-girdle muscular dystrophy (PMID: 10714584). In at least one individual the data is consistent with being in trans (on the opposite chromosome) from a pathogenic variant. It has also been observed to segregate with disease in related individuals. This variant is not present in population databases (gnomAD no frequency). This sequence change replaces glycine, which is neutral and non-polar, with arginine, which is basic and polar, at codon 69 of the SGCG protein (p.Gly69Arg).

Literature cited by the submitters: PubMed 10714584 (cited by Natera, Inc. and Labcorp Genetics (formerly Invitae), Labcorp); PubMed 22095924 (cited by Labcorp Genetics (formerly Invitae), Labcorp).

NM_000231.3(SGCG):c.205G>C (p.Gly69Arg)

Gene: SGCG (sarcoglycan gamma; plus strand). Cytogenetic location: 13q12.12.
Variant type: single nucleotide variant.
Coding change: c.205G>C on transcript NM_000231.3 (MANE Select); coding-DNA position 205, G replaced by C.
Protein change: p.Gly69Arg; replaces glycine 69 with arginine.
Molecular consequence: missense variant.
Genome position (GRCh38, 1-based): chr13:23,234,620, G>C. VCF-style: chr13-23234620-G-C. GRCh37 (hg19) VCF-style: chr13-23808759-G-C.
Other names: c.259G>C, p.Gly87Arg (NM_001378244.1); c.205G>C, p.Gly69Arg (NM_001378245.1, NM_001378246.1); short protein forms G87R, G69R.
Identifiers: ClinVar variation 2137462 (VCV002137462.8), dbSNP rs2541899936, ClinGen allele CA387506395.